The following is an entry in ClinVar:

ClinVar aggregate classification (germline): Uncertain significance (1 of 4 stars; one submission).

Conditions:
Neurofibromatosis, type 1 (NF1). Also called: Neurofibromatosis, type I; VON RECKLINGHAUSEN DISEASE; NEUROFIBROMATOSIS, TYPE I, SOMATIC; Peripheral type neurofibromatosis. Identifiers: Orphanet 636, MedGen C0027831, MONDO:0018975, OMIM 162200. Disease mechanism: loss of function.

Submission:

Labcorp Genetics (formerly Invitae), Labcorp
Classification: Uncertain significance for Neurofibromatosis, type 1. Last evaluated: 2024-03-19. Review status: criteria provided, single submitter. Criteria: Invitae Variant Classification Sherloc (09022015). Collection method: clinical testing. Allele origin: germline.
Comment: This sequence change replaces leucine, which is neutral and non-polar, with phenylalanine, which is neutral and non-polar, at codon 1267 of the NF1 protein (p.Leu1267Phe). This variant is not present in population databases (gnomAD no frequency). This variant has not been reported in the literature in individuals affected with NF1-related conditions. ClinVar contains an entry for this variant (Variation ID: 1477745). Advanced modeling of protein sequence and biophysical properties (such as structural, functional, and spatial information, amino acid conservation, physicochemical variation, residue mobility, and thermodynamic stability) performed at Invitae indicates that this missense variant is expected to disrupt NF1 protein function with a positive predictive value of 95%. In summary, the available evidence is currently insufficient to determine the role of this variant in disease. Therefore, it has been classified as a Variant of Uncertain Significance.

NM_001042492.3(NF1):c.3801G>T (p.Leu1267Phe)

Gene: NF1 (neurofibromin 1; plus strand). Cytogenetic location: 17q11.2.
Variant type: single nucleotide variant.
Coding change: c.3801G>T on transcript NM_001042492.3 (MANE Select); coding-DNA position 3801, G replaced by T.
Protein change: p.Leu1267Phe; replaces leucine 1267 with phenylalanine.
Molecular consequence: missense variant.
Genome position (GRCh38, 1-based): chr17:31,235,703, G>T. VCF-style: chr17-31235703-G-T. GRCh37 (hg19) VCF-style: chr17-29562721-G-T.
Other names: c.3801G>T, p.Leu1267Phe (NM_000267.4); short protein forms L1267F.
Identifiers: ClinVar variation 1477745 (VCV001477745.8), dbSNP rs786201366, ClinGen allele CA398992658.